The following is an entry in ClinVar:

ClinVar aggregate classification (germline): Likely benign (0 of 4 stars; one submission).

Conditions:
CUBN-related disorder. Also called: CUBN-related condition.

Allele frequency attached by ClinVar (database versions not stated): gnomAD exomes below 0.00001; TOPMed below 0.00001.

Submission:

PreventionGenetics, part of Exact Sciences
Classification: Likely benign for CUBN-related condition. Last evaluated: 2021-01-11. Review status: no assertion criteria provided. Collection method: clinical testing. Allele origin: germline.
Comment: This variant is classified as likely benign based on ACMG/AMP sequence variant interpretation guidelines (Richards et al. 2015 PMID: 25741868, with internal and published modifications).

NM_001081.4(CUBN):c.5199A>G (p.Ala1733=)

Gene: CUBN (cubilin; minus strand). Cytogenetic location: 10p13.
Variant type: single nucleotide variant.
Coding change: c.5199A>G on transcript NM_001081.4 (MANE Select); coding-DNA position 5199, A replaced by G.
Protein change: p.Ala1733=; no amino-acid change (alanine 1733 retained).
Molecular consequence: synonymous variant.
Genome position (GRCh38, 1-based): chr10:16,948,488, T>C on the plus strand (A>G on the coding strand, the complement: CUBN is on the minus strand). VCF-style: chr10-16948488-T-C. GRCh37 (hg19) VCF-style: chr10-16990487-T-C.
Identifiers: ClinVar variation 3030167 (VCV003030167.2), dbSNP rs1842842090, ClinGen allele CA468304540.